The following is an entry in ClinVar:

ClinVar aggregate classification (germline): Uncertain significance. Review status: criteria provided, multiple submitters, no conflicts (2 of 4 stars). 2 submissions from 2 submitters: Uncertain significance (2). Last evaluated 2024-05-28.

Conditions:
Ehlers-Danlos syndrome, classic type, 1 (EDSCL1). Also called: EHLERS-DANLOS SYNDROME, GRAVIS TYPE; EHLERS-DANLOS SYNDROME, SEVERE CLASSIC TYPE; Ehlers-Danlos syndrome, type 1; Ehlers-Danlos Syndrome, Classic Type, COL5A1-Related; EDS I. Identifiers: MedGen C0268335, MONDO:0019567, OMIM 130000.

Submissions (2):

Labcorp Genetics (formerly Invitae), Labcorp
Classification: Uncertain significance for Ehlers-Danlos syndrome, classic type, 1. Last evaluated: 2024-05-28. Review status: criteria provided, single submitter. Criteria: Invitae Variant Classification Sherloc (09022015). Collection method: clinical testing. Allele origin: germline.
Comment: This sequence change replaces arginine, which is basic and polar, with leucine, which is neutral and non-polar, at codon 1637 of the COL5A1 protein (p.Arg1637Leu). This variant is not present in population databases (gnomAD no frequency). This variant has not been reported in the literature in individuals affected with COL5A1-related conditions. Advanced modeling of protein sequence and biophysical properties (such as structural, functional, and spatial information, amino acid conservation, physicochemical variation, residue mobility, and thermodynamic stability) performed at Invitae indicates that this missense variant is not expected to disrupt COL5A1 protein function with a negative predictive value of 95%. In summary, the available evidence is currently insufficient to determine the role of this variant in disease. Therefore, it has been classified as a Variant of Uncertain Significance.

GeneDx
Classification: Uncertain significance. Last evaluated: 2024-01-30. Review status: criteria provided, single submitter. Criteria: GeneDx Variant Classification Process June 2021. Collection method: clinical testing. Allele origin: germline. Affected: yes.
Comment: Not observed at significant frequency in large population cohorts (gnomAD); In silico analysis supports that this missense variant has a deleterious effect on protein structure/function; Has not been previously published as pathogenic or benign to our knowledge; Not located in the triple helical region, where the majority of pathogenic missense variants occur (PMID: 22696272; HGMD); This variant is associated with the following publications: (PMID: 22696272)

NM_000093.5(COL5A1):c.4910G>T (p.Arg1637Leu)

Genes: COL5A1 (collagen type V alpha 1 chain; plus strand), LOC101448202 (uncharacterized LOC101448202; minus strand). Cytogenetic location: 9q34.3.
Variant type: single nucleotide variant.
Coding change: c.4910G>T on transcript NM_000093.5 (MANE Select); coding-DNA position 4910, G replaced by T.
Protein change: p.Arg1637Leu; replaces arginine 1637 with leucine.
Molecular consequence: missense variant.
Genome position (GRCh38, 1-based): chr9:134,824,811, G>T. VCF-style: chr9-134824811-G-T. GRCh37 (hg19) VCF-style: chr9-137716657-G-T.
Other names: c.4910G>T, p.Arg1637Leu (NM_001278074.1); short protein forms R1637L.
Identifiers: ClinVar variation 3368580 (VCV003368580.3).